The following is an entry in ClinVar:

NC_000013.11:g.76991971T>C

Gene: CLN5 (CLN5 lysosomal BMP synthase; plus strand). Cytogenetic location: 13q22.3.
Variant type: single nucleotide variant.
Molecular consequence: missense variant (on NM_006493.2).
Genome position: GRCh38 VCF-style: chr13-76991971-T-C. GRCh37 (hg19) VCF-style: chr13-77566106-T-C.
Other names: c.20T>C, p.Leu7Ser (NM_006493.2); short protein forms L7S.
Identifiers: ClinVar variation 2070797 (VCV002070797.3), dbSNP rs1046721315, ClinGen allele CA252175538.
Genomic context (GRCh38, chr13:76,991,971, plus strand): 5'-AAAGTGTGGAAGCCGCCGCGGGCCGGGCGCGGGGAGGTGTCATGCGCCGGAACCTGCGCT[T>C]GGGGCCAAGCTCTGGAGCTGACGCGCAGGGGCAAGGCGCCCCGCGTCCCGGACTGGCGGC-3'

ClinVar aggregate classification (germline): Uncertain significance (1 of 4 stars; one submission).

Conditions:
Neuronal ceroid lipofuscinosis. Also called: Neuronal Ceroid Lipofuscinoses. Identifiers: Orphanet 216, Orphanet 79263, MedGen C0027877, MONDO:0016295. Disease mechanism: loss of function.

Allele frequency attached by ClinVar (database versions not stated): gnomAD 0.00001; TOPMed below 0.00001.

Submission:

Labcorp Genetics (formerly Invitae), Labcorp
Classification: Uncertain significance for Neuronal ceroid lipofuscinosis. Last evaluated: 2022-09-27. Review status: criteria provided, single submitter. Criteria: Invitae Variant Classification Sherloc (09022015). Collection method: clinical testing. Allele origin: germline.
Comment: This sequence change replaces leucine, which is neutral and non-polar, with serine, which is neutral and polar, at codon 7 of the CLN5 protein (p.Leu7Ser). This variant is not present in population databases (gnomAD no frequency). This variant has not been reported in the literature in individuals affected with CLN5-related conditions. Algorithms developed to predict the effect of missense changes on protein structure and function output the following: SIFT: "Deleterious"; PolyPhen-2: "Not Available"; Align-GVGD: "Class C0". The serine amino acid residue is found in multiple mammalian species, which suggests that this missense change does not adversely affect protein function. In summary, the available evidence is currently insufficient to determine the role of this variant in disease. Therefore, it has been classified as a Variant of Uncertain Significance.